The following is an entry in ClinVar:

ClinVar aggregate classification (germline): Uncertain significance. Review status: criteria provided, multiple submitters, no conflicts (2 of 4 stars). 4 submissions from 4 submitters: Uncertain significance (4). Last evaluated 2026-01-01.

Conditions:
Inborn genetic diseases. Identifiers: MedGen C0950123, MeSH D030342.
Cataract 19 multiple types. Also called: CATARACT 19, CORTICAL PULVERULENT; CATARACT 19, CONGENITAL TOTAL. Identifiers: Orphanet 91492, MedGen C3809004, MONDO:0014111, OMIM 615277.

Allele frequency attached by ClinVar (database versions not stated): TOPMed 0.00013; gnomAD 0.00014; gnomAD exomes 0.00020; ExAC 0.00022; ESP Exome Variant Server 0.00023.
gnomAD v4.1: 430 of 1,613,712 alleles (0.027%); highest among the groups gnomAD compares: Middle Eastern, 0.21%; no homozygotes.

Submissions (4):

CeGaT Center for Human Genetics Tuebingen
Classification: Uncertain significance. Last evaluated: 2026-01-01. Review status: criteria provided, single submitter. Criteria: CeGaT Center For Human Genetics Tuebingen Variant Classification Criteria Version 2. Collection method: clinical testing. Allele origin: germline. Affected: yes. Observed: 1 variant allele.

Ambry Genetics
Classification: Uncertain significance for Inborn genetic diseases. Last evaluated: 2024-11-13. Review status: criteria provided, single submitter. Criteria: Ambry Variant Classification Scheme 2023. Collection method: clinical testing. Allele origin: germline.

Labcorp Genetics (formerly Invitae), Labcorp
Classification: Uncertain significance for Cataract 19 multiple types. Last evaluated: 2020-09-23. Review status: criteria provided, single submitter. Criteria: Invitae Variant Classification Sherloc (09022015). Collection method: clinical testing. Allele origin: germline.
Comment: This variant is present in population databases (rs142030761, ExAC 0.04%). In summary, the available evidence is currently insufficient to determine the role of this variant in disease. Therefore, it has been classified as a Variant of Uncertain Significance. Algorithms developed to predict the effect of missense changes on protein structure and function output the following: SIFT: "Deleterious"; PolyPhen-2: "Benign"; Align-GVGD: "Class C25". The isoleucine amino acid residue is found in multiple mammalian species, suggesting that this missense change does not adversely affect protein function. These predictions have not been confirmed by published functional studies and their clinical significance is uncertain. This variant has not been reported in the literature in individuals with LIM2-related conditions. ClinVar contains an entry for this variant (Variation ID: 329972). This sequence change replaces valine with isoleucine at codon 154 of the LIM2 protein (p.Val154Ile). The valine residue is highly conserved and there is a small physicochemical difference between valine and isoleucine.

Illumina Laboratory Services, Illumina
Classification: Uncertain significance for Cataract 19 multiple types. Last evaluated: 2018-01-13. Review status: criteria provided, single submitter. Criteria: ICSL Variant Classification Criteria 13 December 2019. Collection method: clinical testing. Allele origin: germline.

NM_001161748.2(LIM2):c.334G>A (p.Val112Ile)

Gene: LIM2 (lens intrinsic membrane protein 2; minus strand). Cytogenetic location: 19q13.41.
Variant type: single nucleotide variant.
Coding change: c.334G>A on transcript NM_001161748.2 (MANE Select); coding-DNA position 334, G replaced by A.
Protein change: p.Val112Ile; replaces valine 112 with isoleucine.
Molecular consequence: missense variant.
Genome position (GRCh38, 1-based): chr19:51,380,631, C>T on the plus strand (G>A on the coding strand, the complement: LIM2 is on the minus strand). VCF-style: chr19-51380631-C-T. GRCh37 (hg19) VCF-style: chr19-51883885-C-T.
Other names: c.460G>A, p.Val154Ile (NM_030657.4); short protein forms V154I, V112I.
Identifiers: ClinVar variation 329972 (VCV000329972.18), dbSNP rs142030761, ClinGen allele CA9611503.
Genomic context (GRCh38, chr19:51,380,631, plus strand): 5'-CAAAGCGGCGGCCCAGGAAGCTGACGGTGACTCCAGTGTAGATGGCCAAGGCCAACACGA[C>T]GAAAAGGGCTGGGGAGAGAGGGCGGGAGGATGCAGGTGGGACTAAGGCTGGGTGTGATTT-3'
Protein context (NP_001155220.1, residues 102-122): GIMFFSSTLF[Val112Ile]VLALAIYTGV